The following is an entry in ClinVar:

ClinVar aggregate classification (germline): Uncertain significance. Review status: criteria provided, multiple submitters, no conflicts (2 of 4 stars). 2 submissions from 2 submitters: Uncertain significance (2). Last evaluated 2024-09-20.

Conditions:
Developmental and epileptic encephalopathy, 9 (DEE9). Also called: EPILEPSY, FEMALE-RESTRICTED, WITH MENTAL RETARDATION; Early infantile epileptic encephalopathy 9; PCDH19-Related X-Linked Female-Limited Epilepsy with Mental Retardation; JUBERG-HELLMAN SYNDROME. Identifiers: Orphanet 101039, Orphanet 2076, MedGen C1848137, MONDO:0010246, OMIM 300088. Disease mechanism: loss of function.

Allele frequency attached by ClinVar (database versions not stated): gnomAD exomes 0.00001; TOPMed below 0.00001; ExAC 0.00001.
gnomAD v4.1: 11 of 1,211,619 alleles (0.00091%); highest among the groups gnomAD compares: Non-Finnish European, 0.0012%; no homozygotes.

Submissions (2):

GeneDx
Classification: Uncertain significance. Last evaluated: 2024-09-20. Review status: criteria provided, single submitter. Criteria: GeneDx Variant Classification Process June 2021. Collection method: clinical testing. Allele origin: germline. Affected: yes.
Comment: Not observed at significant frequency in large population cohorts (gnomAD); In silico analysis indicates that this missense variant does not alter protein structure/function; Has not been previously published as pathogenic or benign to our knowledge

Labcorp Genetics (formerly Invitae), Labcorp
Classification: Uncertain significance for Developmental and epileptic encephalopathy, 9. Last evaluated: 2022-07-09. Review status: criteria provided, single submitter. Criteria: Invitae Variant Classification Sherloc (09022015). Collection method: clinical testing. Allele origin: germline.
Comment: In summary, the available evidence is currently insufficient to determine the role of this variant in disease. Therefore, it has been classified as a Variant of Uncertain Significance. This variant is present in population databases (rs778219829, gnomAD 0.001%). This sequence change replaces isoleucine, which is neutral and non-polar, with threonine, which is neutral and polar, at codon 461 of the PCDH19 protein (p.Ile461Thr). This variant has not been reported in the literature in individuals affected with PCDH19-related conditions. Advanced modeling of protein sequence and biophysical properties (such as structural, functional, and spatial information, amino acid conservation, physicochemical variation, residue mobility, and thermodynamic stability) performed at Invitae indicates that this missense variant is not expected to disrupt PCDH19 protein function. ClinVar contains an entry for this variant (Variation ID: 206333).

NM_001184880.2(PCDH19):c.1382T>C (p.Ile461Thr)

Gene: PCDH19 (protocadherin 19; minus strand). Cytogenetic location: Xq22.1.
Variant type: single nucleotide variant.
Coding change: c.1382T>C on transcript NM_001184880.2 (MANE Select); coding-DNA position 1382, T replaced by C.
Protein change: p.Ile461Thr; replaces isoleucine 461 with threonine.
Molecular consequence: missense variant.
Genome position (GRCh38, 1-based): chrX:100,407,216, A>G on the plus strand (T>C on the coding strand, the complement: PCDH19 is on the minus strand). VCF-style: chrX-100407216-A-G. GRCh37 (hg19) VCF-style: chrX-99662214-A-G.
Other names: p.I461T:ATT>ACT; c.1382T>C, p.Ile461Thr (NM_001105243.2, NM_020766.3); short protein forms I461T.
Identifiers: ClinVar variation 206333 (VCV000206333.8), dbSNP rs778219829, ClinGen allele CA316354.
Genomic context (GRCh38, chrX:100,407,216, plus strand): 5'-TCGGGGTCGCGAGCAGACACAGAGAGCAGATAGGCGCCAGGCGTGTTGTTCTCCTGCACA[A>G]TGACCTGGTAGTAGGGCTTGGAAAAGTGCGGGTGGTTGTCATTTTCGTCAGTGATGAGCA-3'
Protein context (NP_001171809.1, residues 451-471): PHFSKPYYQV[Ile461Thr]VQENNTPGAY